The following is an entry in ClinVar:

ClinVar aggregate classification (germline): Benign/Likely benign. Review status: criteria provided, multiple submitters, no conflicts (2 of 4 stars). 5 submissions from 5 submitters: Benign (3); Likely benign (1). 1 of the submissions does not count toward it. Last evaluated 2026-01-08.

Conditions:
COL5A2-related disorder. Also called: COL5A2-related condition.
Ehlers-Danlos syndrome, classic type, 1 (EDSCL1). Also called: Ehlers-Danlos Syndrome, Classic Type, COL5A1-Related; EHLERS-DANLOS SYNDROME, GRAVIS TYPE; EHLERS-DANLOS SYNDROME, SEVERE CLASSIC TYPE; Ehlers-Danlos syndrome, type 1; EDS I. Identifiers: MedGen C0268335, MONDO:0019567, OMIM 130000.
Familial thoracic aortic aneurysm and aortic dissection (TAAD). Also called: Thoracic aortic aneurysms and dissections. Identifiers: Orphanet 91387, MedGen C4707243, MONDO:0019625.

Allele frequency attached by ClinVar (database versions not stated): gnomAD exomes 0.00005 and 0.00012; ESP Exome Variant Server 0.00077; ExAC 0.00020; gnomAD 0.00051 and 0.00060; TOPMed 0.00055.
gnomAD v4.1: 147 of 1,597,432 alleles (0.0092%); highest among the groups gnomAD compares: African/African-American, 0.16%; no homozygotes.

Submissions (5):

Labcorp Genetics (formerly Invitae), Labcorp
Classification: Benign for Ehlers-Danlos syndrome, classic type, 1. Last evaluated: 2026-01-08. Review status: criteria provided, single submitter. Criteria: Invitae Variant Classification Sherloc (09022015). Collection method: clinical testing. Allele origin: germline.

Women's Health and Genetics/Laboratory Corporation of America, LabCorp
Classification: Benign. Last evaluated: 2023-07-21. Review status: criteria provided, single submitter. Criteria: LabCorp Variant Classification Summary - May 2015. Collection method: clinical testing. Allele origin: germline.

Ambry Genetics
Classification: Likely benign for Familial thoracic aortic aneurysm and aortic dissection. Last evaluated: 2022-03-11. Review status: criteria provided, single submitter. Criteria: Ambry Variant Classification Scheme 2023. Collection method: clinical testing. Allele origin: germline.

GeneDx
Classification: Benign. Last evaluated: 2015-12-17. Review status: criteria provided, single submitter. Criteria: GeneDx Variant Classification (06012015). Collection method: clinical testing. Allele origin: germline. Affected: yes.
Comment: This variant is considered likely benign or benign based on one or more of the following criteria: it is a conservative change, it occurs at a poorly conserved position in the protein, it is predicted to be benign by multiple in silico algorithms, and/or has population frequency not consistent with disease.

PreventionGenetics, part of Exact Sciences
Classification: Likely benign for COL5A2-related condition. Last evaluated: 2019-03-18. Review status: no assertion criteria provided. Collection method: clinical testing. Allele origin: germline. Not counted in ClinVar's aggregate classification.
Comment: This variant is classified as likely benign based on ACMG/AMP sequence variant interpretation guidelines (Richards et al. 2015 PMID: 25741868, with internal and published modifications).

NM_000393.5(COL5A2):c.2770-5A>G

Gene: COL5A2 (collagen type V alpha 2 chain; minus strand). Cytogenetic location: 2q32.2.
Variant type: single nucleotide variant.
Coding change: c.2770-5A>G on transcript NM_000393.5 (MANE Select); 5 bases into the intron before coding-DNA position 2770, A replaced by G.
Molecular consequence: intron variant.
Genome position (GRCh38, 1-based): chr2:189,051,486, T>C on the plus strand (A>G on the coding strand, the complement: COL5A2 is on the minus strand). VCF-style: chr2-189051486-T-C. GRCh37 (hg19) VCF-style: chr2-189916212-T-C.
Other names: c.2770-5A>G (NM_000393.4).
Identifiers: ClinVar variation 237774 (VCV000237774.17), dbSNP rs370313198, ClinGen allele CA2022183.